The following is an entry in ClinVar:

ClinVar aggregate classification (germline): Uncertain significance (1 of 4 stars; one submission).

Conditions:
BAP1-related tumor predisposition syndrome (TPDS1). Also called: Tumor susceptibility linked to germline BAP1 mutations; COMMON Syndrome; TUMOR PREDISPOSITION SYNDROME 1; BAP1 tumor predisposition syndrome. Identifiers: Orphanet 289539, MedGen C3280492, MONDO:0013692, OMIM 614327.

Submission:

Labcorp Genetics (formerly Invitae), Labcorp
Classification: Uncertain significance for BAP1-related tumor predisposition syndrome. Last evaluated: 2025-04-13. Review status: criteria provided, single submitter. Criteria: Invitae Variant Classification Sherloc (09022015). Collection method: clinical testing. Allele origin: germline.
Comment: This sequence change falls in intron 7 of the BAP1 gene. It does not directly change the encoded amino acid sequence of the BAP1 protein. This variant is not present in population databases (gnomAD no frequency). This variant has not been reported in the literature in individuals affected with BAP1-related conditions. Algorithms developed to predict the effect of sequence changes on RNA splicing suggest that this variant may disrupt the consensus splice site. In summary, the available evidence is currently insufficient to determine the role of this variant in disease. Therefore, it has been classified as a Variant of Uncertain Significance.

NM_004656.4(BAP1):c.581-4C>G

Gene: BAP1 (BRCA1 associated deubiquitinase 1; minus strand). Cytogenetic location: 3p21.1.
Variant type: single nucleotide variant.
Coding change: c.581-4C>G on transcript NM_004656.4 (MANE Select); 4 bases into the intron before coding-DNA position 581, C replaced by G.
Molecular consequence: intron variant.
Genome position (GRCh38, 1-based): chr3:52,406,911, G>C on the plus strand (C>G on the coding strand, the complement: BAP1 is on the minus strand). VCF-style: chr3-52406911-G-C. GRCh37 (hg19) VCF-style: chr3-52440927-G-C.
Other names: c.581-4C>G (NM_001410772.1).
Identifiers: ClinVar variation 4717374 (VCV004717374.1).